The following is an entry in ClinVar:

NM_000642.3(AGL):c.1082+26AAT[2]

Gene: AGL (amylo-alpha-1,6-glucosidase and 4-alpha-glucanotransferase; plus strand). Cytogenetic location: 1p21.2.
Variant type: Microsatellite.
Coding change: c.1082+26AAT[2] on transcript NM_000642.3 (MANE Select); two copies in a row of the 3-base unit AAT starting at c.1082+26.
Molecular consequence: intron variant.
Genome position: GRCh38 VCF-style: chr1-99874835-AAAT-A. GRCh37 (hg19) VCF-style: chr1-100340391-AAAT-A.
Other names: c.1082+26AAT[2] (NM_000643.3, NM_000644.3, NM_001425326.1 and 3 more transcripts); c.1034+26AAT[2] (NM_000646.3); c.878+26AAT[2] (NM_001425328.1, NM_001425329.1); c.704+26AAT[2] (NM_001425332.1).
Identifiers: ClinVar variation 3057337 (VCV003057337.2), dbSNP rs751938393, ClinGen allele CA966374.

ClinVar aggregate classification (germline): Likely benign (0 of 4 stars; one submission).

Conditions:
AGL-related disorder. Also called: AGL-related condition.

Submission:

PreventionGenetics, part of Exact Sciences
Classification: Likely benign for AGL-related condition. Last evaluated: 2023-07-20. Review status: no assertion criteria provided. Collection method: clinical testing. Allele origin: germline.
Comment: This variant is classified as likely benign based on ACMG/AMP sequence variant interpretation guidelines (Richards et al. 2015 PMID: 25741868, with internal and published modifications).